The following is an entry in ClinVar:

ClinVar aggregate classification (germline): Uncertain significance (1 of 4 stars; one submission).

gnomAD v4.1: 53 of 678,452 alleles (0.0078%); highest among the groups gnomAD compares: African/African-American, 0.065%; no homozygotes.

Submission:

Dasa
Classification: Uncertain significance. Last evaluated: 2026-01-06. Review status: criteria provided, single submitter. Criteria: DASA Assertion Criteria. Collection method: clinical testing. Allele origin: germline.
Comment: NM_020812.4(DOCK6):c.44+106G>T is an intronic variant. This variant has been observed in affected individuals with DOCK6-related disorders. Also, this variant is rare in population databases. The currently available literature and clinical evidence are not sufficient to establish a definitive association between this variant and the reported condition. Therefore, this variant is classified as a variant of uncertain significance.

NM_020812.4(DOCK6):c.44+106G>T

Gene: DOCK6 (dedicator of cytokinesis 6; minus strand). Cytogenetic location: 19p13.2.
Variant type: single nucleotide variant.
Coding change: c.44+106G>T on transcript NM_020812.4 (MANE Select); 106 bases into the intron after coding-DNA position 44, G replaced by T.
Molecular consequence: intron variant.
Genome position (GRCh38, 1-based): chr19:11,262,291, C>A on the plus strand (G>T on the coding strand, the complement: DOCK6 is on the minus strand). VCF-style: chr19-11262291-C-A. GRCh37 (hg19) VCF-style: chr19-11372967-C-A.
Other names: c.44+106G>T (NM_001367830.1).
Identifiers: ClinVar variation 4886139 (VCV004886139.2).